The following is an entry in ClinVar:

ClinVar aggregate classification (germline): Pathogenic (1 of 4 stars; one submission).

Conditions:
Neurofibromatosis, type 1 (NF1). Also called: Neurofibromatosis, type I; VON RECKLINGHAUSEN DISEASE; NEUROFIBROMATOSIS, TYPE I, SOMATIC; Peripheral type neurofibromatosis. Identifiers: Orphanet 636, MedGen C0027831, MONDO:0018975, OMIM 162200. Disease mechanism: loss of function.

Submission:

Labcorp Genetics (formerly Invitae), Labcorp
Classification: Pathogenic for Neurofibromatosis, type 1. Last evaluated: 2022-01-15. Review status: criteria provided, single submitter. Criteria: Invitae Variant Classification Sherloc (09022015). Collection method: clinical testing. Allele origin: germline.
Comment: This sequence change creates a premature translational stop signal (p.Leu1187Phefs*28) in the NF1 gene. It is expected to result in an absent or disrupted protein product. Loss-of-function variants in NF1 are known to be pathogenic (PMID: 10712197, 23913538). This variant is not present in population databases (gnomAD no frequency). This variant has not been reported in the literature in individuals affected with NF1-related conditions. For these reasons, this variant has been classified as Pathogenic.

Literature cited by the submitters: PubMed 10712197; PubMed 23913538.

NM_001042492.3(NF1):c.3559del (p.Leu1187fs)

Gene: NF1 (neurofibromin 1; plus strand). Cytogenetic location: 17q11.2.
Variant type: Deletion.
Coding change: c.3559del on transcript NM_001042492.3 (MANE Select); coding-DNA position 3559, one base deleted (C; older notation c.3559delC).
Protein change: p.Leu1187fs; shifts the reading frame from leucine 1187.
Molecular consequence: frameshift variant.
Genome position (GRCh38, 1-based): chr17:31,233,064, C deleted; the last of 2 consecutive C bases (chr17:31,233,063-31,233,064); deleting either gives the same sequence. VCF-style (leftmost placement, unchanged base first): chr17-31233062-TC-T. GRCh37 (hg19) VCF-style: chr17-29560080-TC-T.
Other names: c.3559delC, p.Leu1187Phefs (NM_000267.4); short protein forms L1187fs.
Identifiers: ClinVar variation 2084219 (VCV002084219.4), dbSNP rs2508238251, ClinGen allele CA2580093078.